The following is an entry in ClinVar:

ClinVar aggregate classification (germline): Conflicting classifications of pathogenicity. Review status: criteria provided, conflicting classifications (1 of 4 stars). 9 submissions from 8 submitters: Uncertain significance (3); Likely benign (4). 2 of the submissions do not count toward it. Last evaluated 2026-07-08.

Conditions:
RET-related disorder. Also called: RET-related condition; RET-related disease; RET-related disorders.
Hereditary cancer-predisposing syndrome. Also called: Neoplastic Syndromes, Hereditary; Tumor predisposition; Hereditary Cancer Syndrome; Hereditary neoplastic syndrome. Identifiers: Orphanet 140162, MedGen C0027672, MeSH D009386, MONDO:0015356.
Multiple endocrine neoplasia, type 2 (MEN2). Identifiers: Orphanet 653, MedGen C4048306, MONDO:0019003. Disease mechanism: gain of function.
Multiple endocrine neoplasia type 2A. Also called: MULTIPLE ENDOCRINE NEOPLASIA, TYPE IIA; PTC SYNDROME; SIPPLE SYNDROME; MEN 2A; MEN-2A syndrome; Pheochromocytoma and amyloid producing medullary thyroid carcinoma. Identifiers: Orphanet 247698, Orphanet 653, MedGen C0025268, MeSH D018813, MONDO:0008234, OMIM 171400.
Multiple endocrine neoplasia type 2B. Also called: WAGENMANN-FROBOESE SYNDROME; MULTIPLE ENDOCRINE NEOPLASIA, TYPE III; Multiple endocrine neoplasia, type 3; MULTIPLE ENDOCRINE NEOPLASIA, TYPE IIB; MEN IIB; NEUROMATA, MUCOSAL, WITH ENDOCRINE TUMORS. Identifiers: Orphanet 247709, Orphanet 653, MedGen C0025269, MeSH D018814, MONDO:0008082, OMIM 162300.

Allele frequency attached by ClinVar (database versions not stated): gnomAD exomes 0.00001 and 0.00002; gnomAD 0.00002 and 0.00003; ExAC 0.00005; TOPMed 0.00005; 1000 Genomes Project 0.00040; 1000 Genomes Project 30x 0.00047.
gnomAD v4.1: 14 of 1,613,574 alleles (0.00087%); highest among the groups gnomAD compares: East Asian, 0.0067%; no homozygotes.

Submissions (10):

PreventionGenetics, part of Exact Sciences
Classification: Likely benign for RET-related condition. Last evaluated: 2026-07-08. Review status: criteria provided, single submitter. Criteria: ACMG Guidelines, 2015. Collection method: clinical testing. Allele origin: germline.
Comment: This variant is classified as likely benign based on ACMG/AMP sequence variant interpretation guidelines (Richards et al. 2015 PMID: 25741868, with internal and published modifications).

Labcorp Genetics (formerly Invitae), Labcorp
Classification: Likely benign for Multiple endocrine neoplasia, type 2. Last evaluated: 2026-02-01. Review status: criteria provided, single submitter. Criteria: Invitae Variant Classification Sherloc (09022015). Collection method: clinical testing. Allele origin: germline.

GeneDx
Classification: Uncertain significance. Last evaluated: 2025-06-09. Review status: criteria provided, single submitter. Criteria: GeneDx Variant Classification Process June 2021. Collection method: clinical testing. Allele origin: germline. Affected: yes.
Comment: In silico analysis supports a deleterious effect on splicing; Has not been previously published as pathogenic or benign to our knowledge

All of Us Research Program, National Institutes of Health
Classification: Uncertain significance for Multiple endocrine neoplasia, type 2. Last evaluated: 2024-08-06. Review status: criteria provided, single submitter. Criteria: ACMG Guidelines, 2015. Collection method: clinical testing. Allele origin: germline. Inheritance: Autosomal dominant inheritance. Observed: 6 variant alleles, 6 heterozygotes.
Comment: This synonymous variant causes a G>A nucleotide substitution but does not change the encoded amino acid at codon 365 of the RET protein. Splice site prediction tools are inconclusive regarding the impact of this variant on RNA splicing. To our knowledge, functional studies have not been reported for this variant. This variant has not been reported in individuals affected with RET-related disorders in the literature. This variant has been identified in 6/250648 chromosomes in the general population by the Genome Aggregation Database (gnomAD). The available evidence is insufficient to determine the role of this variant in disease conclusively. Therefore, this variant is classified as a Variant of Uncertain Significance.

This study involves interpretation of variants in research participants for the purpose of population health screening. Participant phenotype was not available at the time of variant classification. Additional details can be found in publication PMID: 35346344, PMCID: PMC8962531

Color Diagnostics, LLC DBA Color Health
Classification: Uncertain significance for Multiple endocrine neoplasia, type 2. Last evaluated: 2024-05-24. Review status: criteria provided, single submitter. Criteria: ACMG Guidelines, 2015. Collection method: clinical testing. Allele origin: germline.
Comment: This synonymous variant causes a G>A nucleotide substitution but does not change the encoded amino acid at codon 365 of the RET protein. Splice site prediction tools are inconclusive regarding the impact of this variant on RNA splicing. To our knowledge, functional studies have not been reported for this variant. This variant has not been reported in individuals affected with RET-related disorders in the literature. This variant has been identified in 6/250648 chromosomes in the general population by the Genome Aggregation Database (gnomAD). The available evidence is insufficient to determine the role of this variant in disease conclusively. Therefore, this variant is classified as a Variant of Uncertain Significance.

Blueprint Genetics
Classification: Likely benign. Last evaluated: 2023-12-18. Review status: criteria provided, single submitter. Criteria: ACMG Guidelines, 2015. Collection method: clinical testing. Allele origin: germline.

Ambry Genetics
Classification: Likely benign for Hereditary cancer-predisposing syndrome. Last evaluated: 2017-02-06. Review status: criteria provided, single submitter. Criteria: Ambry Variant Classification Scheme 2023. Collection method: clinical testing. Allele origin: germline.

Counsyl
Classification: Likely benign for Multiple endocrine neoplasia type 2B. Last evaluated: 2015-12-11. Review status: no assertion criteria provided. Collection method: clinical testing. Allele origin: unknown. Not counted in ClinVar's aggregate classification.

Counsyl
Classification: Likely benign for Multiple endocrine neoplasia type 2A. Last evaluated: 2015-12-11. Review status: no assertion criteria provided. Collection method: clinical testing. Allele origin: unknown. Not counted in ClinVar's aggregate classification.

Dr. Peter K. Rogan Lab, Western University
No classification provided (evidence only). Condition: Melanoma. Review status: no classification provided. Collection method: in vitro. Allele origin: not applicable. Functional consequence: retained intron. Not counted in ClinVar's aggregate classification.

NM_020975.6(RET):c.1095G>A (p.Ser365=)

Gene: RET (ret proto-oncogene; plus strand). Cytogenetic location: 10q11.21.
Variant type: single nucleotide variant.
Coding change: c.1095G>A on transcript NM_020975.6 (MANE Select); coding-DNA position 1095, G replaced by A.
Protein change: p.Ser365=; no amino-acid change (serine 365 retained).
Molecular consequence: synonymous variant. On other transcripts: intron variant (18).
Genome position (GRCh38, 1-based): chr10:43,109,062, G>A. VCF-style: chr10-43109062-G-A. GRCh37 (hg19) VCF-style: chr10-43604510-G-A.
Other names: c.1095G>A, p.Ser365= (NM_000323.2, NM_001406743.1, NM_001406744.1 and 6 more transcripts); c.333G>A, p.Ser111= (NM_001355216.2); c.966G>A, p.Ser322= (NM_001406761.1, NM_001406762.1, NM_001406764.1 and 1 more transcripts); c.807G>A, p.Ser269= (NM_001406766.1, NM_001406767.1, NM_001406770.1); c.657G>A, p.Ser219= (NM_001406771.1, NM_001406773.1); c.369G>A, p.Ser123= (NM_001406775.1, NM_001406776.1, NM_001406777.1 and 1 more transcripts); c.105G>A, p.Ser35= (NM_001406784.1); c.868-2145G>A (NM_001406772.1, NM_001406769.1); and 5 more.
Identifiers: ClinVar variation 136094 (VCV000136094.26), dbSNP rs201992974, ClinGen allele CA007433.
Genomic context (GRCh38, chr10:43,109,062, plus strand): 5'-GGTGGTCATTGTTGTGCCCCTACCTGCAGGGCTGGTTCTCAACCGGAACCTCTCCATCTC[G>A]GAGAACCGCACCATGCAGCTGGCGGTGCTGGTCAATGACTCAGACTTCCAGGGCCCAGGA-3'
Protein context (NP_066124.1, residues 355-375): RLVLNRNLSI[Ser365=]ENRTMQLAVL